The following is an entry in ClinVar:

ClinVar aggregate classification (germline): Likely pathogenic (1 of 4 stars; one submission).

Submission:

Athena Diagnostics
Classification: Likely pathogenic. Last evaluated: 2024-11-13. Review status: criteria provided, single submitter. Criteria: Athena Diagnostics Criteria. Collection method: clinical testing. Allele origin: unknown.
Comment: This variant has not been reported in large, multi-ethnic general populations. This variant has been identified in at least one individual with clinical features associated with this gene. Polyphen and MutationTaster predict this amino acid change may be damaging to the protein. The variant is located in a region that is considered important for protein function and/or structure.

Literature cited by the submitters: PubMed 37284795.

NM_000166.6(GJB1):c.529G>C (p.Val177Leu)

Gene: GJB1 (gap junction protein beta 1; plus strand). Cytogenetic location: Xq13.1.
Variant type: single nucleotide variant.
Coding change: c.529G>C on transcript NM_000166.6 (MANE Select); coding-DNA position 529, G replaced by C.
Protein change: p.Val177Leu; replaces valine 177 with leucine.
Molecular consequence: missense variant.
Genome position (GRCh38, 1-based): chrX:71,224,236, G>C. VCF-style: chrX-71224236-G-C. GRCh37 (hg19) VCF-style: chrX-70444086-G-C.
Other names: c.529G>C, p.Val177Leu (NM_001097642.3); short protein forms V177L.
Identifiers: ClinVar variation 3571528 (VCV003571528.1).